The following is an entry in ClinVar:

ClinVar aggregate classification (germline): Uncertain significance (1 of 4 stars; one submission).

Conditions:
Dyskeratosis congenita. Identifiers: Orphanet 1775, MedGen C0265965, MONDO:0015780.

Submission:

Labcorp Genetics (formerly Invitae), Labcorp
Classification: Uncertain significance for Dyskeratosis congenita. Last evaluated: 2023-10-13. Review status: criteria provided, single submitter. Criteria: Invitae Variant Classification Sherloc (09022015). Collection method: clinical testing. Allele origin: germline.
Comment: This sequence change falls in intron 2 of the TINF2 gene. It does not directly change the encoded amino acid sequence of the TINF2 protein. It affects a nucleotide within the consensus splice site. This variant is not present in population databases (gnomAD no frequency). This variant has not been reported in the literature in individuals affected with TINF2-related conditions. Variants that disrupt the consensus splice site are a relatively common cause of aberrant splicing (PMID: 17576681, 9536098). Algorithms developed to predict the effect of sequence changes on RNA splicing suggest that this variant may disrupt the consensus splice site. In summary, the available evidence is currently insufficient to determine the role of this variant in disease. Therefore, it has been classified as a Variant of Uncertain Significance.

Literature cited by the submitters: PubMed 17576681; PubMed 9536098.

NM_001099274.3(TINF2):c.297+4A>G

Gene: TINF2 (TERF1 interacting nuclear factor 2; minus strand). Cytogenetic location: 14q12.
Variant type: single nucleotide variant.
Coding change: c.297+4A>G on transcript NM_001099274.3 (MANE Select); 4 bases into the intron after coding-DNA position 297, A replaced by G.
Molecular consequence: intron variant.
Genome position (GRCh38, 1-based): chr14:24,241,886, T>C on the plus strand (A>G on the coding strand, the complement: TINF2 is on the minus strand). VCF-style: chr14-24241886-T-C. GRCh37 (hg19) VCF-style: chr14-24711092-T-C.
Other names: c.297+4A>G (NM_012461.3); c.193-110A>G (NM_001363668.2).
Identifiers: ClinVar variation 2827373 (VCV002827373.3), dbSNP rs2502465125, ClinGen allele CA2739277824.
Genomic context (GRCh38, chr14:24,241,886, plus strand): 5'-AGGAGGAGCAACTTTGCTGCACCAAGTGTAACTGGGGTCAGGGCTTGTTCCGGGGATTAC[T>C]CACAGCCTTGGGATCCCGCACTATAGGTCCAGATTCTGGAAAGTGGTGATTCAGGGCTTT-3'